The following is an entry in ClinVar:

NM_001369268.1(ACAN):c.7630+1G>A

Gene: ACAN (aggrecan; plus strand). Cytogenetic location: 15q26.1.
Variant type: single nucleotide variant.
Coding change: c.7630+1G>A on transcript NM_001369268.1 (MANE Select); the canonical splice donor site of the intron after coding-DNA position 7630, G replaced by A.
Molecular consequence: splice donor variant. On other transcripts: intron variant (1).
Genome position (GRCh38, 1-based): chr15:88,874,025, G>A. VCF-style: chr15-88874025-G-A. GRCh37 (hg19) VCF-style: chr15-89417256-G-A.
Other names: c.7516+1G>A (NM_013227.4, NM_001411097.1); c.7402+1G>A (NM_001411096.1); c.7220-380G>A (NM_001135.4).
Identifiers: ClinVar variation 1318942 (VCV001318942.7), dbSNP rs553161065, ClinGen allele CA7720743.

ClinVar aggregate classification (germline): Conflicting classifications of pathogenicity. Review status: criteria provided, conflicting classifications (1 of 4 stars). 3 submissions from 3 submitters: Likely pathogenic (1); Uncertain significance (2). Last evaluated 2025-04-23.

Conditions:
ACAN-related disorder. Also called: ACAN-related disorders; ACAN-related condition.

Allele frequency attached by ClinVar (database versions not stated): gnomAD exomes 0.00001 and 0.00004; ExAC 0.00002; gnomAD 0.00004 and 0.00005; 1000 Genomes Project 30x 0.00016; 1000 Genomes Project 0.00020.
gnomAD v4.1: 56 of 1,609,614 alleles (0.0035%); highest among the groups gnomAD compares: Non-Finnish European, 0.0042%; no homozygotes.

Submissions (3):

GeneDx
Classification: Uncertain significance. Last evaluated: 2025-04-23. Review status: criteria provided, single submitter. Criteria: GeneDx Variant Classification Process June 2021. Collection method: clinical testing. Allele origin: germline. Affected: yes.
Comment: Has not been previously published as pathogenic or benign to our knowledge; Canonical splice site variant predicted to result in an in-frame loss of the adjacent exon in a gene for which loss of function is a known mechanism of disease

Labcorp Genetics (formerly Invitae), Labcorp
Classification: Uncertain significance. Last evaluated: 2023-05-11. Review status: criteria provided, single submitter. Criteria: Invitae Variant Classification Sherloc (09022015). Collection method: clinical testing. Allele origin: germline.
Comment: In summary, the available evidence is currently insufficient to determine the role of this variant in disease. Therefore, it has been classified as a Variant of Uncertain Significance. Variants that disrupt the consensus splice site are a relatively common cause of aberrant splicing (PMID: 17576681, 9536098). Algorithms developed to predict the effect of sequence changes on RNA splicing suggest that this variant may disrupt the consensus splice site. Experimental studies and prediction algorithms are not available or were not evaluated, and the functional significance of this variant is currently unknown. ClinVar contains an entry for this variant (Variation ID: 1318942). This variant has not been reported in the literature in individuals affected with ACAN-related conditions. The frequency data for this variant in the population databases is considered unreliable, as metrics indicate poor data quality at this position in the gnomAD database. This sequence change affects a donor splice site in intron 17 of the ACAN gene. While this variant is not anticipated to result in nonsense mediated decay, it likely alters RNA splicing and results in a disrupted protein product.

Blueprint Genetics
Classification: Likely pathogenic for ACAN-related disorders. Last evaluated: 2020-08-28. Review status: criteria provided, single submitter. Criteria: ACMG Guidelines, 2015. Collection method: clinical testing. Allele origin: germline. Affected: yes. Observed: 1 variant allele.

Literature cited by the submitters: PubMed 17576681 (cited by Labcorp Genetics (formerly Invitae), Labcorp); PubMed 9536098 (cited by Labcorp Genetics (formerly Invitae), Labcorp).